The following is an entry in ClinVar:

ClinVar aggregate classification (germline): Uncertain significance (1 of 4 stars; one submission).

Allele frequency attached by ClinVar (database versions not stated): gnomAD exomes below 0.00001; ExAC 0.00001; gnomAD 0.00001 and 0.00002; 1000 Genomes Project 30x 0.00016; 1000 Genomes Project 0.00020.
gnomAD v4.1: 9 of 1,612,722 alleles (0.00056%); highest among the groups gnomAD compares: African/African-American, 0.0027%; no homozygotes.

Submission:

Labcorp Genetics (formerly Invitae), Labcorp
Classification: Uncertain significance. Last evaluated: 2021-08-29. Review status: criteria provided, single submitter. Criteria: Invitae Variant Classification Sherloc (09022015). Collection method: clinical testing. Allele origin: germline.
Comment: This sequence change replaces aspartic acid with asparagine at codon 697 of the PLOD3 protein (p.Asp697Asn). The aspartic acid residue is moderately conserved and there is a small physicochemical difference between aspartic acid and asparagine. This variant is present in population databases (rs199647243, ExAC 0.02%). This variant has not been reported in the literature in individuals affected with PLOD3-related conditions. Algorithms developed to predict the effect of missense changes on protein structure and function output the following: SIFT: "Tolerated"; PolyPhen-2: "Benign"; Align-GVGD: "Class C0". The asparagine amino acid residue is found in multiple mammalian species, which suggests that this missense change does not adversely affect protein function. In summary, the available evidence is currently insufficient to determine the role of this variant in disease. Therefore, it has been classified as a Variant of Uncertain Significance.

NM_001084.5(PLOD3):c.2089G>A (p.Asp697Asn)

Gene: PLOD3 (procollagen-lysine,2-oxoglutarate 5-dioxygenase 3; minus strand). Cytogenetic location: 7q22.1.
Variant type: single nucleotide variant.
Coding change: c.2089G>A on transcript NM_001084.5 (MANE Select); coding-DNA position 2089, G replaced by A.
Protein change: p.Asp697Asn; replaces aspartic acid 697 with asparagine.
Molecular consequence: missense variant.
Genome position (GRCh38, 1-based): chr7:101,206,409, C>T on the plus strand (G>A on the coding strand, the complement: PLOD3 is on the minus strand). VCF-style: chr7-101206409-C-T. GRCh37 (hg19) VCF-style: chr7-100849690-C-T.
Other names: short protein forms D697N.
Identifiers: ClinVar variation 1404197 (VCV001404197.3), dbSNP rs199647243, ClinGen allele CA4407376.